The following is an entry in ClinVar:

NM_000489.6(ATRX):c.6849+5T>C

Gene: ATRX (ATRX chromatin remodeler; minus strand). Cytogenetic location: Xq21.1.
Variant type: single nucleotide variant.
Coding change: c.6849+5T>C on transcript NM_000489.6 (MANE Select); 5 bases into the intron after coding-DNA position 6849, T replaced by C.
Molecular consequence: intron variant.
Genome position (GRCh38, 1-based): chrX:77,523,247, A>G on the plus strand (T>C on the coding strand, the complement: ATRX is on the minus strand). VCF-style: chrX-77523247-A-G. GRCh37 (hg19) VCF-style: chrX-76778725-A-G.
Other names: c.6735+5T>C (NM_138270.5).
Identifiers: ClinVar variation 2195398 (VCV002195398.3), dbSNP rs2147758622, ClinGen allele CA2579648739.
Genomic context (GRCh38, chrX:77,523,247, plus strand): 5'-TCTTCTTCATTGCTCTTTCAAATCACTAACATAACAAAAACAAAAACACATTTTGCATCA[A>G]CTACCTTCTTCTCTGCTTCATACTCAGCCCAAGCTGCTTTTCTTTCTTCTTCAGTCAACT-3'

ClinVar aggregate classification (germline): Uncertain significance (1 of 4 stars; one submission).

Conditions:
Alpha thalassemia-X-linked intellectual disability syndrome (ATRX). Also called: ALPHA-THALASSEMIA/MENTAL RETARDATION SYNDROME, X-LINKED; ATR, NONDELETION TYPE; ATR-X syndrome; Alpha thalassemia mental retardation syndrome, nondeletion type, X-linked; XLMR hypotonic face syndrome; X-linked alpha-thalassemia-mental retardation syndrome. Identifiers: Orphanet 847, MedGen C1845055, MONDO:0010519, OMIM 301040.

gnomAD v4.1: 5 of 1,210,599 alleles (0.00041%); highest among the groups gnomAD compares: Non-Finnish European, 0.00056%; no homozygotes.

Submission:

Labcorp Genetics (formerly Invitae), Labcorp
Classification: Uncertain significance for Alpha thalassemia-X-linked intellectual disability syndrome. Last evaluated: 2024-04-08. Review status: criteria provided, single submitter. Criteria: Invitae Variant Classification Sherloc (09022015). Collection method: clinical testing. Allele origin: germline.
Comment: This sequence change falls in intron 31 of the ATRX gene. It does not directly change the encoded amino acid sequence of the ATRX protein. It affects a nucleotide within the consensus splice site. This variant is not present in population databases (gnomAD no frequency). This variant has not been reported in the literature in individuals affected with ATRX-related conditions. ClinVar contains an entry for this variant (Variation ID: 2195398). Variants that disrupt the consensus splice site are a relatively common cause of aberrant splicing (PMID: 17576681, 9536098). Algorithms developed to predict the effect of sequence changes on RNA splicing suggest that this variant is not likely to affect RNA splicing. In summary, the available evidence is currently insufficient to determine the role of this variant in disease. Therefore, it has been classified as a Variant of Uncertain Significance.

Literature cited by the submitters: PubMed 17576681; PubMed 9536098.